The following is an entry in ClinVar:

ClinVar aggregate classification (germline): Benign (1 of 4 stars; one submission).

Allele frequency attached by ClinVar (database versions not stated): 1000 Genomes Project 30x 0.00078; 1000 Genomes Project 0.00100.
gnomAD v4.1: 124 of 152,244 alleles (0.081%); highest among the groups gnomAD compares: Admixed American, 0.078%; no homozygotes.

Submission:

CeGaT Center for Human Genetics Tuebingen
Classification: Benign. Last evaluated: 2022-12-01. Review status: criteria provided, single submitter. Criteria: CeGaT Center For Human Genetics Tuebingen Variant Classification Criteria Version 2. Collection method: clinical testing. Allele origin: germline. Affected: yes. Observed: 1 variant allele.
Comment: BRAF: BS1, BS2

NM_004333.6(BRAF):c.1178-1374C>G

Gene: BRAF (B-Raf proto-oncogene, serine/threonine kinase; minus strand). Cytogenetic location: 7q34.
Variant type: single nucleotide variant.
Coding change: c.1178-1374C>G on transcript NM_004333.6 (MANE Select); 1374 bases into the intron before coding-DNA position 1178, C replaced by G.
Molecular consequence: intron variant.
Genome position (GRCh38, 1-based): chr7:140,784,531, G>C on the plus strand (C>G on the coding strand, the complement: BRAF is on the minus strand). VCF-style: chr7-140784531-G-C. GRCh37 (hg19) VCF-style: chr7-140484331-G-C.
Other names: c.1178-1374C>G (NM_001378468.1, NM_001354609.2, NM_001378474.1); c.1297+1158C>G (NM_001374258.1, NM_001374244.1); c.1187-1374C>G (NM_001378467.1); c.1022-1374C>G (NM_001378472.1, NM_001378473.1); c.1178-1440C>G (NM_001378469.1); c.1076-1374C>G (NM_001378470.1); c.914-1374C>G (NM_001378475.1); c.1141-1448C>G (NM_001378471.1).
Identifiers: ClinVar variation 2658034 (VCV002658034.24), dbSNP rs188370174, ClinGen allele CA168092492.
Genomic context (GRCh38, chr7:140,784,531, plus strand): 5'-TCACTACTGTATGACTTCCATCCCATTCTATGGATTTTCTGAGAAACAGCAGGGCTGAGA[G>C]AGCAAAAATCTAAAGCACCATTACTACATTCAGAATATATAACAGATACTAACTAGCAAG-3'